The following is an entry in ClinVar:

NM_000059.4(BRCA2):c.6859A>T (p.Arg2287Ter)

Gene: BRCA2 (BRCA2 DNA repair associated; plus strand). Cytogenetic location: 13q13.1.
Variant type: single nucleotide variant.
Coding change: c.6859A>T on transcript NM_000059.4 (MANE Select); coding-DNA position 6859, A replaced by T.
Protein change: p.Arg2287Ter; replaces arginine 2287 with a stop codon.
Molecular consequence: nonsense.
Genome position (GRCh38, 1-based): chr13:32,344,575, A>T. VCF-style: chr13-32344575-A-T. GRCh37 (hg19) VCF-style: chr13-32918712-A-T.
Other names: NM_000059.4(BRCA2):c.6859A>T; p.Arg2287Ter; short protein forms R2287*.
Identifiers: ClinVar variation 575178 (VCV000575178.12), dbSNP rs876661261, ClinGen allele CA387792666.

ClinVar aggregate classification (germline): Pathogenic. Review status: reviewed by expert panel (3 of 4 stars). 5 submissions from 5 submitters: Pathogenic (1). 4 of the submissions do not count toward it. Last evaluated 2025-05-23.

Conditions:
Hereditary breast ovarian cancer syndrome. Also called: BRCA1- and BRCA2-Associated Hereditary Breast and Ovarian Cancer; Hereditary breast and ovarian cancer; Hereditary breast and/or ovarian cancer syndrome; Hereditary breast and ovarian cancer syndrome; Hereditary breast and ovarian cancer syndrome (HBOC); Breast and ovarian cancer. Identifiers: Orphanet 145, MedGen C0677776, MeSH D061325, MONDO:0003582. Disease mechanism: loss of function.
BRCA2-related cancer predisposition. Identifiers: MedGen CN377758, MONDO:0700269.
Hereditary cancer-predisposing syndrome. Also called: Neoplastic Syndromes, Hereditary; Hereditary Cancer Syndrome; Tumor predisposition; Hereditary neoplastic syndrome. Identifiers: Orphanet 140162, MedGen C0027672, MeSH D009386, MONDO:0015356.

Allele frequency attached by ClinVar (database versions not stated): gnomAD 0.00001.
gnomAD v4.1: 1 of 1,556,108 alleles (0.000064%); highest among the groups gnomAD compares: Non-Finnish European, 0.000088%; no homozygotes.

Submissions (5):

ClinGen ENIGMA BRCA1 and BRCA2 Variant Curation Expert Panel, ClinGen
Classification: Pathogenic for BRCA2-related cancer predisposition. Last evaluated: 2025-05-23. Review status: reviewed by expert panel. Criteria: CSpec BRCA1/2ACMG Rules Specifications V1.2. Collection method: curation. Allele origin: germline. Inheritance: Autosomal dominant inheritance.
Comment: The c.6859A>T variant in BRCA2 is predicted to cause a change in the length of the protein due to the insertion of a terminating codon instead of the usual arginine at amino acid 2287 (p.(Arg2287Ter)). This variant is present in gnomAD v3.1 (non-cancer subset) but is below the ENIGMA BRCA1/2 VCEP threshold >0.00002 for BS1_Supporting (PM2_Supporting, BS1, and BA1 are not met). Nonsense of exon 12 variant predicted to cause a premature stop codon in biologically-relevant-exon 12/27 leading to nonsense mediated decay (PVS1 met). Reported by one calibrated study to exhibit protein function similar to pathogenic control variants (PMID:32046981) (PS3 met). In summary, this variant meets the criteria to be classified as a Pathogenic variant for BRCA2-related cancer predisposition based on the ACMG/AMP criteria applied as specified by the ENIGMA BRCA1/2 VCEP (PVS1, PS3).

Quest Diagnostics Nichols Institute San Juan Capistrano
Classification: Likely pathogenic. Last evaluated: 2025-01-31. Review status: criteria provided, single submitter. Criteria: Quest Diagnostics criteria. Collection method: clinical testing. Allele origin: unknown. Not counted in ClinVar's aggregate classification.
Comment: The BRCA2 c.6859A>T (p.Arg2287*) variant is predicted to cause the premature termination of BRCA2 protein synthesis. This variant has been reported in the published literature in an individual with myeloid neoplasia (PMID: 36266327 (2020)). A published functional study indicates that this variant is damaging to BRCA2 protein function (PMID: 32046981 (2020)). The frequency of this variant in the general population (Genome Aggregation Database) is consistent with pathogenicity. Based on the available information, this variant is classified as likely pathogenic.

Ambry Genetics
Classification: Likely pathogenic for Hereditary cancer-predisposing syndrome. Last evaluated: 2023-08-10. Review status: criteria provided, single submitter. Criteria: Ambry Variant Classification Scheme 2023. Collection method: clinical testing. Allele origin: germline. Not counted in ClinVar's aggregate classification.
Comment: The p.R2287* variant (also known as c.6859A>T), located in coding exon 11 of the BRCA2 gene, results from an A to T substitution at nucleotide position 6859. This changes the amino acid from an arginine to a stop codon within coding exon 11. This variant has been confirmed to be in trans with a BRCA2 pathogenic variant in an individual diagnosed with clinical features of Fanconi anemia (external communication). This variant is considered to be rare based on population cohorts in the Genome Aggregation Database (gnomAD). This alteration is expected to result in loss of function by premature protein truncation or nonsense-mediated mRNA decay. However, this variant occurs in an exon that is absent in biologically relevant transcripts (referred to as exon 12 in the literature; Li L et al. Hum. Mutat. 2009 Nov;30(11):1543-50). Of note, however, one study reported that this alteration did not significantly impact the expression of transcripts skipping CDS11 (exon 12) in RNA studies, and was shown to have reduced complementation of Brca2 loss and homology directed repair activity in mESC--based functional assays (Meulemans L et al. Cancer Res, 2020 04;80:1374-1386). Based on the majority of available evidence to date, this variant is likely to be pathogenic. However, because this variant has been identified in one or more patients with Fanconi Anemia, this alteration may be hypomorphic and thus, carriers of this variant and their families may present with reduced risks, and not with the typical clinical characteristics of a high-risk pathogenic BRCA2 alteration. As risk estimates are unknown at this time, clinical correlation is advised.

Labcorp Genetics (formerly Invitae), Labcorp
Classification: Pathogenic for Hereditary breast ovarian cancer syndrome. Last evaluated: 2022-02-20. Review status: criteria provided, single submitter. Criteria: Invitae Variant Classification Sherloc (09022015). Collection method: clinical testing. Allele origin: germline. Not counted in ClinVar's aggregate classification.
Comment: ClinVar contains an entry for this variant (Variation ID: 575178). This variant has not been reported in the literature in individuals affected with BRCA2-related conditions. This variant is not present in population databases (gnomAD no frequency). This sequence change creates a premature translational stop signal (p.Arg2287*) in the BRCA2 gene. It is expected to result in an absent or disrupted protein product. Loss-of-function variants in BRCA2 are known to be pathogenic (PMID: 20104584). For these reasons, this variant has been classified as Pathogenic.

German Consortium for Hereditary Breast and Ovarian Cancer, University Hospital Cologne
Classification: Likely pathogenic, low penetrance for Hereditary breast ovarian cancer syndrome. Last evaluated: 2024-10-08. Review status: no assertion criteria provided. Collection method: curation. Allele origin: germline. Not counted in ClinVar's aggregate classification.
Comment: Variant found in patients with FA therefore may be hypomorphic; According to the ClinGen ENIGMA BRCA2 v1.1.0 criteria we chose these criteria: PVS1 (very strong pathogenic): Table 4, PM3 (supporting pathogenic): Ambry Genetics: This variant has been confirmed to be in trans with a BRCA2 pathogenic variant in an individual diagnosed with clinical features of Fanconi anemia (external communication).

Literature cited by the submitters: PubMed 32046981 (cited by Quest Diagnostics Nichols Institute San Juan Capistrano and Ambry Genetics); PubMed 36266327 (cited by Quest Diagnostics Nichols Institute San Juan Capistrano); PubMed 20104584 (cited by Labcorp Genetics (formerly Invitae), Labcorp).